The following is an entry in ClinVar:

NM_000212.3(ITGB3):c.1991A>C (p.Glu664Ala)

Gene: ITGB3 (integrin subunit beta 3; plus strand). Cytogenetic location: 17q21.32.
Variant type: single nucleotide variant.
Coding change: c.1991A>C on transcript NM_000212.3 (MANE Select); coding-DNA position 1991, A replaced by C.
Protein change: p.Glu664Ala; replaces glutamic acid 664 with alanine.
Molecular consequence: missense variant.
Genome position (GRCh38, 1-based): chr17:47,300,555, A>C. VCF-style: chr17-47300555-A-C. GRCh37 (hg19) VCF-style: chr17-45377921-A-C.
Other names: short protein forms E664A.
Identifiers: ClinVar variation 4537032 (VCV004537032.1).

ClinVar aggregate classification (germline): Uncertain significance (1 of 4 stars; one submission).

gnomAD v4.1: 5 of 1,613,906 alleles (0.00031%); highest among the groups gnomAD compares: Admixed American, 0.0083%; no homozygotes.

Submission:

Women's Health and Genetics/Laboratory Corporation of America, LabCorp
Classification: Uncertain significance. Last evaluated: 2025-11-05. Review status: criteria provided, single submitter. Criteria: LabCorp Variant Classification Summary - May 2015. Collection method: clinical testing. Allele origin: germline.
Comment: Variant summary: ITGB3 c.1991A>C (p.Glu664Ala) results in a non-conservative amino acid change in the encoded protein sequence. Algorithms developed to predict the effect of missense changes on protein structure and function all suggest that this variant is likely to be disruptive. The variant allele was found at a frequency of 1.2e-05 in 251330 control chromosomes. The available data on variant occurrences in the general population are insufficient to allow any conclusion about variant significance. To our knowledge, no occurrence of c.1991A>C in individuals affected with ITGB3-related conditions and no experimental evidence demonstrating its impact on protein function have been reported. No submitters have cited clinical-significance assessments for this variant to ClinVar. Based on the evidence outlined above, the variant was classified as uncertain significance.